The following is an entry in ClinVar:

NC_000001.11:g.(?_16991714)_(16992601_?)del

Gene: ATP13A2 (ATPase cation transporting 13A2; minus strand). Cytogenetic location: 1p36.13.
Variant type: Deletion.
Identifiers: ClinVar variation 660676 (VCV000660676.8).

ClinVar aggregate classification (germline): Pathogenic (1 of 4 stars; one submission).

Conditions:
Autosomal recessive spastic paraplegia type 78. Identifiers: Orphanet 513436, MedGen C5567893, MONDO:0014975, OMIM 617225.
Kufor-Rakeb syndrome (KRS). Also called: PARKINSON DISEASE 9, AUTOSOMAL RECESSIVE, JUVENILE-ONSET. Identifiers: Orphanet 306674, Orphanet 314632, MedGen C1847640, MONDO:0011706, OMIM 606693.

Submission:

Labcorp Genetics (formerly Invitae), Labcorp
Classification: Pathogenic for Kufor-Rakeb syndrome; Autosomal recessive spastic paraplegia type 78. Last evaluated: 2023-07-08. Review status: criteria provided, single submitter. Criteria: Invitae Variant Classification Sherloc (09022015). Collection method: clinical testing. Allele origin: germline.
Comment: This variant is a gross deletion of the genomic region encompassing exon(s) 17-20 of the ATP13A2 gene. This deletion is out-of-frame, and is expected to create a premature termination codon and result in an absent or disrupted protein product. Loss-of-function variants in ATP13A2 are known to be pathogenic (PMID: 16964263, 21696388). This variant has not been reported in the literature in individuals affected with ATP13A2-related conditions. For these reasons, this variant has been classified as Pathogenic.

Literature cited by the submitters: PubMed 16964263; PubMed 21696388.